The following is an entry in ClinVar:

NM_001363711.2(DUOX2):c.1535G>A (p.Arg512Gln)

Gene: DUOX2 (dual oxidase 2; minus strand). Cytogenetic location: 15q21.1.
Variant type: single nucleotide variant.
Coding change: c.1535G>A on transcript NM_001363711.2 (MANE Select); coding-DNA position 1535, G replaced by A.
Protein change: p.Arg512Gln; replaces arginine 512 with glutamine.
Molecular consequence: missense variant.
Genome position (GRCh38, 1-based): chr15:45,108,086, C>T on the plus strand (G>A on the coding strand, the complement: DUOX2 is on the minus strand). VCF-style: chr15-45108086-C-T. GRCh37 (hg19) VCF-style: chr15-45400284-C-T.
Other names: c.1535G>A, p.Arg512Gln (NM_014080.5); short protein forms R512Q.
Identifiers: ClinVar variation 1928734 (VCV001928734.4), dbSNP rs761874368, ClinGen allele CA7538586.

ClinVar aggregate classification (germline): Uncertain significance (1 of 4 stars; one submission).

Allele frequency attached by ClinVar (database versions not stated): gnomAD 0.00001; TOPMed 0.00003.
gnomAD v4.1: 16 of 1,613,864 alleles (0.00099%); highest among the groups gnomAD compares: African/African-American, 0.0067%; no homozygotes.

Submission:

Labcorp Genetics (formerly Invitae), Labcorp
Classification: Uncertain significance. Last evaluated: 2025-07-01. Review status: criteria provided, single submitter. Criteria: Invitae Variant Classification Sherloc (09022015). Collection method: clinical testing. Allele origin: germline.
Comment: This sequence change replaces arginine, which is basic and polar, with glutamine, which is neutral and polar, at codon 512 of the DUOX2 protein (p.Arg512Gln). This variant is present in population databases (rs761874368, gnomAD 0.01%). This variant has not been reported in the literature in individuals affected with DUOX2-related conditions. ClinVar contains an entry for this variant (Variation ID: 1928734). Invitae Evidence Modeling of protein sequence and biophysical properties (such as structural, functional, and spatial information, amino acid conservation, physicochemical variation, residue mobility, and thermodynamic stability) indicates that this missense variant is expected to disrupt DUOX2 protein function with a positive predictive value of 80%. In summary, the available evidence is currently insufficient to determine the role of this variant in disease. Therefore, it has been classified as a Variant of Uncertain Significance.